The following is an entry in ClinVar:

NM_000439.5(PCSK1):c.106G>A (p.Ala36Thr)

Genes: CAST (calpastatin; plus strand), PCSK1 (proprotein convertase subtilisin/kexin type 1; minus strand), LOC101929710 (uncharacterized LOC101929710; plus strand). Cytogenetic location: 5q15.
Variant type: single nucleotide variant.
Coding change: c.106G>A on transcript NM_000439.5 (MANE Select); coding-DNA position 106, G replaced by A.
Protein change: p.Ala36Thr; replaces alanine 36 with threonine.
Molecular consequence: missense variant. On other transcripts: intron variant (11).
Genome position (GRCh38, 1-based): chr5:96,432,937, C>T on the plus strand (G>A on the coding strand, the complement: PCSK1 is on the minus strand). VCF-style: chr5-96432937-C-T. GRCh37 (hg19) VCF-style: chr5-95768641-C-T.
Other names: c.-175+53285C>T (NM_001423254.1, NM_001423259.1, NM_001423255.1 and 6 more transcripts); c.-103+53285C>T (NM_001423253.1); c.-40+53285C>T (NM_001423258.1); short protein forms A36T.
Identifiers: ClinVar variation 3355777 (VCV003355777.1).
Genomic context (GRCh38, chr5:96,432,937, plus strand): 5'-CATAGCCCAGCTCCTCGGCGATGGCCGAGGCTGCTTCCGGGCCCCCGGGGATCTCCGCTG[C>T]CCATTCATTGACAAATTGCCTTTTCGCTTTTGCACTGTTCAGTGCACACCAAGCGCAAAA-3'
Protein context (NP_000430.3, residues 26-46): KAKRQFVNEW[Ala36Thr]AEIPGGPEAA

ClinVar aggregate classification (germline): Likely pathogenic (0 of 4 stars; one submission).

Conditions:
PCSK1-related disorder. Also called: PCSK1-related condition.

gnomAD v4.1: 1 of 1,614,194 alleles (0.000062%); highest among the groups gnomAD compares: African/African-American, 0.0013%; no homozygotes.

Submission:

PreventionGenetics, part of Exact Sciences
Classification: Likely pathogenic for PCSK1-related condition. Last evaluated: 2024-04-16. Review status: no assertion criteria provided. Collection method: clinical testing. Allele origin: germline.
Comment: The PCSK1 c.106G>A variant is predicted to result in the amino acid substitution p.Ala36Thr. This variant was observed in a cohort of obese individuals, and in vitro functional studies show strong evidence of loss of function (Supplemental Data Set, Shah et al. 2023, PubMed ID: 36864747). This variant is reported in 0.0062% of alleles in individuals of African descent in gnomAD. This variant is interpreted as likely pathogenic.